The following is an entry in ClinVar:

NM_020987.5(ANK3):c.8733C>G (p.Gly2911=)

Gene: ANK3 (ankyrin 3; minus strand). Cytogenetic location: 10q21.2.
Variant type: single nucleotide variant.
Coding change: c.8733C>G on transcript NM_020987.5 (MANE Select); coding-DNA position 8733, C replaced by G.
Protein change: p.Gly2911=; no amino-acid change (glycine 2911 retained).
Molecular consequence: synonymous variant. On other transcripts: intron variant (4).
Genome position (GRCh38, 1-based): chr10:60,072,148, G>C on the plus strand (C>G on the coding strand, the complement: ANK3 is on the minus strand). VCF-style: chr10-60072148-G-C. GRCh37 (hg19) VCF-style: chr10-61831906-G-C.
Other names: c.4388-4139C>G (NM_001204403.2); c.4409-4139C>G (NM_001204404.2); c.4406-4139C>G (NM_001320874.2); c.1808-4139C>G (NM_001149.4).
Identifiers: ClinVar variation 764879 (VCV000764879.27), dbSNP rs750979279, ClinGen allele CA5511495.
Genomic context (GRCh38, chr10:60,072,148, plus strand): 5'-CCTATATAAGACTTTTTTGGAGGGAGATTTTACAGTCATTTCTTTAATTTCTGAGAGAGA[G>C]CCGTTTGTTAACAATTTGCGTTCTCTCTCAGTCACAGACATAAATTCATTCTTTTGATCA-3'
Protein context (NP_066267.2, residues 2901-2921): TERERKLLTN[Gly2911=]SLSEIKEMTV

ClinVar aggregate classification (germline): Likely benign. Review status: criteria provided, multiple submitters, no conflicts (2 of 4 stars). 2 submissions from 2 submitters: Likely benign (2). Last evaluated 2023-04-01.

Allele frequency attached by ClinVar (database versions not stated): gnomAD exomes below 0.00001 and 0.00001; TOPMed below 0.00001; ExAC 0.00002.
gnomAD v4.1: 1 of 1,613,816 alleles (0.000062%); highest among the groups gnomAD compares: Non-Finnish European, 0.000085%; no homozygotes.

Submissions (2):

CeGaT Center for Human Genetics Tuebingen
Classification: Likely benign. Last evaluated: 2023-04-01. Review status: criteria provided, single submitter. Criteria: CeGaT Center For Human Genetics Tuebingen Variant Classification Criteria Version 2. Collection method: clinical testing. Allele origin: germline. Affected: yes. Observed: 1 variant allele.
Comment: ANK3: BP4, BP7

Labcorp Genetics (formerly Invitae), Labcorp
Classification: Likely benign. Last evaluated: 2018-08-15. Review status: criteria provided, single submitter. Criteria: Invitae Variant Classification Sherloc (09022015). Collection method: clinical testing. Allele origin: germline.